The following is an entry in ClinVar:

ClinVar aggregate classification (germline): Uncertain significance (1 of 4 stars; one submission).

Submission:

GeneDx
Classification: Uncertain significance. Last evaluated: 2026-05-09. Review status: criteria provided, single submitter. Criteria: GeneDx Variant Classification Process June 2021. Collection method: clinical testing. Allele origin: germline.
Comment: Not observed at significant frequency in large population cohorts (gnomAD); In silico analysis supports that this missense variant has a deleterious effect on protein structure/function; Has not been previously published as pathogenic or benign to our knowledge

NM_201599.3(ZMYM3):c.1156C>T (p.Leu386Phe)

Gene: ZMYM3 (zinc finger MYM-type containing 3; minus strand). Cytogenetic location: Xq13.1.
Variant type: single nucleotide variant.
Coding change: c.1156C>T on transcript NM_201599.3 (MANE Select); coding-DNA position 1156, C replaced by T.
Protein change: p.Leu386Phe; replaces leucine 386 with phenylalanine.
Molecular consequence: missense variant.
Genome position (GRCh38, 1-based): chrX:71,250,121, G>A on the plus strand (C>T on the coding strand, the complement: ZMYM3 is on the minus strand). VCF-style: chrX-71250121-G-A. GRCh37 (hg19) VCF-style: chrX-70469971-G-A.
Other names: c.1156C>T, p.Leu386Phe (NM_001171162.1, NM_001171163.1, NM_005096.3); short protein forms L386F.
Identifiers: ClinVar variation 4278548 (VCV004278548.2).